The following is an entry in ClinVar:

ClinVar aggregate classification (germline): Likely benign (1 of 4 stars; one submission).

Allele frequency attached by ClinVar (database versions not stated): TOPMed below 0.00001; gnomAD 0.00001; gnomAD exomes 0.00001; ExAC 0.00002; 1000 Genomes Project 30x 0.00031; 1000 Genomes Project 0.00040.

Submission:

CeGaT Center for Human Genetics Tuebingen
Classification: Likely benign. Last evaluated: 2022-05-01. Review status: criteria provided, single submitter. Criteria: CeGaT Center For Human Genetics Tuebingen Variant Classification Criteria Version 2. Collection method: clinical testing. Allele origin: germline. Affected: yes. Observed: 1 variant allele.
Comment: MUC16: BP4

NM_001401501.2(MUC16):c.45437T>G (p.Val15146Gly)

Gene: MUC16 (mucin 16, cell surface associated; minus strand). Cytogenetic location: 19p13.2.
Variant type: single nucleotide variant.
Coding change: c.45437T>G on transcript NM_001401501.2 (MANE Select); coding-DNA position 45437, T replaced by G.
Protein change: p.Val15146Gly; replaces valine 15146 with glycine.
Molecular consequence: missense variant.
Genome position (GRCh38, 1-based): chr19:8,861,005, A>C on the plus strand (T>G on the coding strand, the complement: MUC16 is on the minus strand). VCF-style: chr19-8861005-A-C. GRCh37 (hg19) VCF-style: chr19-8971681-A-C.
Other names: c.45863T>G, p.Val15288Gly (NM_001414686.1); c.45317T>G, p.Val15106Gly (NM_001414687.1); c.42911T>G, p.Val14304Gly (NM_024690.2); short protein forms V14304G, V15106G, V15146G, V15288G.
Identifiers: ClinVar variation 2649215 (VCV002649215.24), dbSNP rs180776057, ClinGen allele CA9162235.
Genomic context (GRCh38, chr19:8,861,005, plus strand): 5'-CTTTCCTCATAACCCCACCTCTTCCAGTTAGGAAACCAGCCACCCCACCTTGTACCTGTC[A>C]CATGGATGTCCACCAACTGGTAGGTGGAGCCCAGCCAATGGAATGAGGCATTCAGGGTCT-3'
Protein context (NP_001388430.1, residues 15136-15156): GSTYQLVDIH[Val15146Gly]TEMESSVYQP